The following continues an entry in ClinVar:

NM_000059.4(BRCA2):c.4534C>T (p.Arg1512Cys)

Gene: BRCA2. ClinVar aggregate classification (germline): Conflicting classifications of pathogenicity. Uncertain significance (10); Benign (1); Likely benign (4).

Submissions 11 to 20 of 20:

Illumina Laboratory Services, Illumina
Classification: Uncertain significance for Breast-ovarian cancer, familial, susceptibility to, 2. Last evaluated: 2018-01-12. Review status: criteria provided, single submitter. Criteria: ICSL Variant Classification Criteria 13 December 2019. Collection method: clinical testing. Allele origin: germline.

Illumina Laboratory Services, Illumina
Classification: Uncertain significance for Fanconi anemia complementation group D1. Last evaluated: 2018-01-12. Review status: criteria provided, single submitter. Criteria: ICSL Variant Classification Criteria 13 December 2019. Collection method: clinical testing. Allele origin: germline.

ARUP Laboratories, Molecular Genetics and Genomics, ARUP Laboratories
Classification: Uncertain significance. Last evaluated: 2017-11-08. Review status: criteria provided, single submitter. Criteria: ARUP Molecular Germline Variant Investigation Process. Collection method: clinical testing. Allele origin: germline.

Color Diagnostics, LLC DBA Color Health
Classification: Likely benign for Hereditary cancer-predisposing syndrome. Last evaluated: 2017-03-06. Review status: criteria provided, single submitter. Criteria: ACMG Guidelines, 2015. Collection method: clinical testing. Allele origin: germline.

Neuberg Centre For Genomic Medicine, NCGM
Classification: Uncertain significance for Breast-ovarian cancer, familial, susceptibility to, 2. Review status: criteria provided, single submitter. Criteria: ACMG Guidelines, 2015. Collection method: clinical testing. Allele origin: germline. Inheritance: Autosomal dominant inheritance. Affected: yes.
Comment: The missense variant c.4534C>T (p.Arg1512Cys) in BRCA2 has been submitted to ClinVar as a Variant of Uncertain Significance (VUS). This variant has been observed in individuals affected with breast cancer (Momozawa Y et al). This p.Arg1512Cys variant has allele frequency of 0.0016% in the gnomAD and novel (not in any individuals) in 1000 genome database. The amino acid Arg at position 1512 is changed to a Cys changing protein sequence and it might alter its composition and physico-chemical properties. For these reasons, this variant has been classified as Uncertain Significance (VUS).

BRCAlab, Lund University
Classification: Uncertain significance for Breast-ovarian cancer, familial, susceptibility to, 2. Last evaluated: 2020-03-02. Review status: no assertion criteria provided. Collection method: clinical testing. Allele origin: germline. Affected: yes. Not counted in ClinVar's aggregate classification.

Counsyl
Classification: Uncertain significance for Breast-ovarian cancer, familial, susceptibility to, 2. Last evaluated: 2017-11-03. Review status: no assertion criteria provided. Collection method: clinical testing. Allele origin: unknown. Not counted in ClinVar's aggregate classification.

Breast Cancer Information Core (BIC) (BRCA2)
Classification: Uncertain significance for Breast-ovarian cancer, familial 2. Last evaluated: 2002-05-29. Review status: no assertion criteria provided. Collection method: clinical testing. Allele origin: germline. Affected: yes. Observed: 4 variant alleles. Not counted in ClinVar's aggregate classification.

Clinical Genetics Laboratory, Department of Pathology, Netherlands Cancer Institute
Classification: Likely benign. Review status: no assertion criteria provided. Collection method: clinical testing. Allele origin: germline. Affected: yes. Study: VKGL Data-share Consensus. Not counted in ClinVar's aggregate classification.

Joint Genome Diagnostic Labs from Nijmegen and Maastricht, Radboudumc and MUMC+
Classification: Likely benign. Review status: no assertion criteria provided. Collection method: clinical testing. Allele origin: germline. Affected: yes. Study: VKGL Data-share Consensus. Not counted in ClinVar's aggregate classification.

Literature cited by the submitters: PubMed 26689913 (cited by 5 submitters); PubMed 30286154 (cited by 4 submitters); PubMed 30287823 (cited by 5 submitters); PubMed 38509102 (cited by Quest Diagnostics Nichols Institute San Juan Capistrano); PubMed 34326862 (cited by Quest Diagnostics Nichols Institute San Juan Capistrano); PubMed 36243179 (cited by Quest Diagnostics Nichols Institute San Juan Capistrano); PubMed 33471991 (cited by Quest Diagnostics Nichols Institute San Juan Capistrano and Sema4); PubMed 31911673 (cited by Quest Diagnostics Nichols Institute San Juan Capistrano).